The following is an entry in ClinVar:

NM_000213.5(ITGB4):c.2557G>A (p.Glu853Lys)

Gene: ITGB4 (integrin subunit beta 4; plus strand). Cytogenetic location: 17q25.1.
Variant type: single nucleotide variant.
Coding change: c.2557G>A on transcript NM_000213.5 (MANE Select); coding-DNA position 2557, G replaced by A.
Protein change: p.Glu853Lys; replaces glutamic acid 853 with lysine.
Molecular consequence: missense variant.
Genome position (GRCh38, 1-based): chr17:75,740,799, G>A. VCF-style: chr17-75740799-G-A. GRCh37 (hg19) VCF-style: chr17-73736880-G-A.
Other names: c.2557G>A, p.Glu853Lys (NM_001005619.2, NM_001005731.3, NM_001321123.2); short protein forms E853K.
Identifiers: ClinVar variation 2175032 (VCV002175032.3), dbSNP rs144402600, ClinGen allele CA8769478.

ClinVar aggregate classification (germline): Uncertain significance. Review status: criteria provided, multiple submitters, no conflicts (2 of 4 stars). 3 submissions from 3 submitters: Uncertain significance (3). Last evaluated 2024-05-10.

Conditions:
Inborn genetic diseases. Identifiers: MedGen C0950123, MeSH D030342.
Junctional epidermolysis bullosa with pyloric atresia. Also called: CARMI SYNDROME; EB-PA-ACC; Epidermolysis bullosa, junctional, with pyloric atresia and aplasia cutis congenita; Epidermolysis bullosa junctionalis with pyloric atresia; Junctional Epidermolysis Bullosa- Pyloric Atresia Syndrome; APLASIA CUTIS CONGENITA WITH GASTROINTESTINAL ATRESIA. Identifiers: Orphanet 79403, MedGen C5676875, MONDO:0009183, OMIM 226730.
Epidermolysis bullosa, junctional 5A, intermediate. Also called: EPIDERMOLYSIS BULLOSA, JUNCTIONAL 5A, GENERALIZED INTERMEDIATE; EPIDERMOLYSIS BULLOSA, JUNCTIONAL 5A, NON-HERLITZ TYPE. Identifiers: MedGen C5676956, MONDO:0030768, OMIM 619816.

Allele frequency attached by ClinVar (database versions not stated): TOPMed 0.00005; ExAC 0.00006; gnomAD 0.00006; ESP Exome Variant Server 0.00015.
gnomAD v4.1: 52 of 1,613,110 alleles (0.0032%); highest among the groups gnomAD compares: East Asian, 0.0067%; no homozygotes.

Submissions (3):

Fulgent Genetics
Classification: Uncertain significance for Junctional epidermolysis bullosa with pyloric atresia; Epidermolysis bullosa, junctional 5A, intermediate. Last evaluated: 2024-05-10. Review status: criteria provided, single submitter. Criteria: ACMG Guidelines, 2015. Collection method: clinical testing. Allele origin: germline.

Ambry Genetics
Classification: Uncertain significance for Inborn genetic diseases. Last evaluated: 2023-12-29. Review status: criteria provided, single submitter. Criteria: Ambry Variant Classification Scheme 2023. Collection method: clinical testing. Allele origin: germline.

Labcorp Genetics (formerly Invitae), Labcorp
Classification: Uncertain significance. Last evaluated: 2022-06-13. Review status: criteria provided, single submitter. Criteria: Invitae Variant Classification Sherloc (09022015). Collection method: clinical testing. Allele origin: germline.
Comment: This sequence change replaces glutamic acid, which is acidic and polar, with lysine, which is basic and polar, at codon 853 of the ITGB4 protein (p.Glu853Lys). This variant is present in population databases (rs144402600, gnomAD 0.01%). This variant has not been reported in the literature in individuals affected with ITGB4-related conditions. Algorithms developed to predict the effect of missense changes on protein structure and function are either unavailable or do not agree on the potential impact of this missense change (SIFT: "Not Available"; PolyPhen-2: "Possibly Damaging"; Align-GVGD: "Not Available"). In summary, the available evidence is currently insufficient to determine the role of this variant in disease. Therefore, it has been classified as a Variant of Uncertain Significance.